The following is an entry in ClinVar:

NM_000426.4(LAMA2):c.7215_7217delinsA (p.Ser2406fs)

Gene: LAMA2 (laminin subunit alpha 2; plus strand). Cytogenetic location: 6q22.33.
Variant type: Indel.
Coding change: c.7215_7217delinsA on transcript NM_000426.4 (MANE Select); coding-DNA positions 7215 to 7217, CTC replaced by A.
Protein change: p.Ser2406fs; shifts the reading frame from serine 2406.
Molecular consequence: frameshift variant.
Genome position (GRCh38, 1-based): chr6:129,465,204-129,465,206, CTC replaced by A. VCF-style: chr6-129465204-CTC-A. GRCh37 (hg19) VCF-style: chr6-129786349-CTC-A.
Other names: c.7215_7217delinsA, p.Ser2406fs (NM_001079823.2); short protein forms S2406fs.
Identifiers: ClinVar variation 1726565 (VCV001726565.3), dbSNP rs2533443583, ClinGen allele CA2580074991.

ClinVar aggregate classification (germline): Likely pathogenic (1 of 4 stars; one submission).

Conditions:
LAMA2-related muscular dystrophy (LAMA2-RD). Also called: Laminin alpha 2-related dystrophy. Identifiers: MedGen C5679788, MONDO:0100228.

Submission:

Myriad Genetics, Inc.
Classification: Likely pathogenic for LAMA2-related muscular dystrophy. Last evaluated: 2021-12-21. Review status: criteria provided, single submitter. Criteria: Myriad Autosomal Dominant, Autosomal Recessive and X-Linked Classification Criteria (2023). Collection method: clinical testing. Allele origin: unknown.
Comment: NM_000426.3(LAMA2):c.7215_7217delCTCinsA(S2406Rfs*12) is expected to be pathogenic in the context of muscular dystrophy, LAMA2-related. This variant is predicted to lead to an abnormal or absent protein product due to the creation of a premature termination codon in LAMA2, a gene where loss-of-function variants are known to be pathogenic. Please note: this variant was assessed in the context of healthy population screening.